The following is an entry in ClinVar:

ClinVar aggregate classification (germline): Likely benign (1 of 4 stars; one submission).

Conditions:
MAX-related disorder. Also called: MAX-related condition.

gnomAD v4.1: 4 of 1,606,694 alleles (0.00025%); highest among the groups gnomAD compares: Non-Finnish European, 0.00034%; no homozygotes.

Submission:

PreventionGenetics, part of Exact Sciences
Classification: Likely benign for MAX-related condition. Last evaluated: 2025-08-05. Review status: criteria provided, single submitter. Criteria: ACMG Guidelines, 2015. Collection method: clinical testing. Allele origin: germline.
Comment: This variant is classified as likely benign based on ACMG/AMP sequence variant interpretation guidelines (Richards et al. 2015 PMID: 25741868, with internal and published modifications).

NM_002382.5(MAX):c.295+572A>G

Gene: MAX (MYC associated transcriptional regulator X; minus strand). Cytogenetic location: 14q23.3.
Variant type: single nucleotide variant.
Coding change: c.295+572A>G on transcript NM_002382.5 (MANE Select); 572 bases into the intron after coding-DNA position 295, A replaced by G.
Molecular consequence: intron variant. On other transcripts: 3 prime UTR variant (7), non-coding transcript variant (4).
Genome position (GRCh38, 1-based): chr14:65,077,341, T>C on the plus strand (A>G on the coding strand, the complement: MAX is on the minus strand). VCF-style: chr14-65077341-T-C. GRCh37 (hg19) VCF-style: chr14-65544059-T-C.
Other names: c.*71A>G (NM_001407097.1, NM_001407100.1, NM_001407101.1 and 4 more transcripts); c.144+16367A>G (NM_001271069.2); c.171+16367A>G (NM_197957.4); c.94+3A>G (NM_001407112.1, NM_001407111.1); c.106+3A>G (NM_001407106.1, NM_001407107.1, NM_001320415.2 and 1 more transcripts); c.268+572A>G (NM_001407095.1, NM_145112.3); c.*68+3A>G (NM_001407102.1, NM_001407104.1, NM_001407108.1 and 2 more transcripts); c.295+572A>G (NM_001407094.1); and 1 more.
Identifiers: ClinVar variation 4983261 (VCV004983261.1).